The following is an entry in ClinVar:

NM_000310.4(PPT1):c.237C>A (p.Asp79Glu)

Gene: PPT1 (palmitoyl-protein thioesterase 1; minus strand). Cytogenetic location: 1p34.2.
Variant type: single nucleotide variant.
Coding change: c.237C>A on transcript NM_000310.4 (MANE Select); coding-DNA position 237, C replaced by A.
Protein change: p.Asp79Glu; replaces aspartic acid 79 with glutamic acid.
Molecular consequence: missense variant. On other transcripts: intron variant (1).
Genome position (GRCh38, 1-based): chr1:40,092,170, G>T on the plus strand (C>A on the coding strand, the complement: PPT1 is on the minus strand). VCF-style: chr1-40092170-G-T. GRCh37 (hg19) VCF-style: chr1-40557842-G-T.
Other names: c.237C>A, p.Asp79Glu (NM_001363695.2); c.125-2658C>A (NM_001142604.2); short protein forms D79E.
Identifiers: ClinVar variation 2022780 (VCV002022780.4), dbSNP rs373867152, ClinGen allele CA339849406.

ClinVar aggregate classification (germline): Uncertain significance (1 of 4 stars; one submission).

Conditions:
Neuronal ceroid lipofuscinosis 1 (CLN1). Also called: CEROID LIPOFUSCINOSIS, NEURONAL, 1, VARIABLE AGE AT ONSET; PPT1-Related Neuronal Ceroid-Lipofuscinosis. Identifiers: Orphanet 228329, MedGen C1850451, MONDO:0009744, OMIM 256730.

Submission:

Labcorp Genetics (formerly Invitae), Labcorp
Classification: Uncertain significance for Neuronal ceroid lipofuscinosis 1. Last evaluated: 2022-08-08. Review status: criteria provided, single submitter. Criteria: Invitae Variant Classification Sherloc (09022015). Collection method: clinical testing. Allele origin: germline.
Comment: This variant has not been reported in the literature in individuals affected with PPT1-related conditions. This variant is not present in population databases (gnomAD no frequency). This sequence change replaces aspartic acid, which is acidic and polar, with glutamic acid, which is acidic and polar, at codon 79 of the PPT1 protein (p.Asp79Glu). In summary, the available evidence is currently insufficient to determine the role of this variant in disease. Therefore, it has been classified as a Variant of Uncertain Significance. This variant disrupts the p.Asp79 amino acid residue in PPT1. Other variant(s) that disrupt this residue have been determined to be pathogenic (PMID: 9425237, 10781062). This suggests that this residue is clinically significant, and that variants that disrupt this residue are likely to be disease-causing. Algorithms developed to predict the effect of missense changes on protein structure and function are either unavailable or do not agree on the potential impact of this missense change (SIFT: "Deleterious"; PolyPhen-2: "Possibly Damaging"; Align-GVGD: "Class C0").

Literature cited by the submitters: PubMed 9425237; PubMed 10781062.